The following is an entry in ClinVar:

NM_000038.6(APC):c.3542del (p.Ser1180_Leu1181insTer)

Gene: APC (APC regulator of Wnt signaling pathway; plus strand). Cytogenetic location: 5q22.2.
Variant type: Deletion.
Coding change: c.3542del on transcript NM_000038.6 (MANE Select); coding-DNA position 3542, one base deleted (T; older notation c.3542delT).
Protein change: p.Ser1180_Leu1181insTer.
Molecular consequence: nonsense. On other transcripts: non-coding transcript variant (2).
Genome position (GRCh38, 1-based): chr5:112,839,136, T deleted; the last of 3 consecutive T bases (chr5:112,839,134-112,839,136); deleting any one gives the same sequence. VCF-style (leftmost placement, unchanged base first): chr5-112839133-GT-G. GRCh37 (hg19) VCF-style: chr5-112174830-GT-G.
Other names: c.3542del, p.Ser1180_Leu1181insTer (NM_001127510.3, NM_001354895.2, NM_001407450.1); c.3488del, p.Ser1162_Leu1163insTer (NM_001127511.3); c.3596del, p.Ser1198_Leu1199insTer (NM_001354896.2, NM_001407447.1, NM_001407448.1 and 1 more transcripts); c.3572del, p.Ser1190_Leu1191insTer (NM_001354897.2); c.3467del, p.Ser1155_Leu1156insTer (NM_001354898.2); c.3458del, p.Ser1152_Leu1153insTer (NM_001354899.2); c.3419del, p.Ser1139_Leu1140insTer (NM_001354900.2); c.3365del, p.Ser1121_Leu1122insTer (NM_001354901.2, NM_001407453.1); and 11 more.
Identifiers: ClinVar variation 2584002 (VCV002584002.1), dbSNP rs2533506437, ClinGen allele CA2582341520.

ClinVar aggregate classification (germline): Pathogenic (1 of 4 stars; one submission).

Conditions:
Familial adenomatous polyposis 1 (FAP1). Also called: FAMILIAL ADENOMATOUS POLYPOSIS 1, ATTENUATED; POLYPOSIS, ADENOMATOUS INTESTINAL. Identifiers: MedGen C2713442, MONDO:0021056, OMIM 175100. Disease mechanism: loss of function.

Submission:

Myriad Genetics, Inc.
Classification: Pathogenic for Familial adenomatous polyposis 1. Last evaluated: 2023-05-09. Review status: criteria provided, single submitter. Criteria: Myriad Autosomal Dominant, Autosomal Recessive and X-Linked Classification Criteria (2023). Collection method: clinical testing. Allele origin: unknown.
Comment: This variant is considered pathogenic. This variant creates a termination codon and is predicted to result in premature protein truncation.